The following is an entry in ClinVar:

NM_024334.3(TMEM43):c.788_789del (p.Val263fs)

Gene: TMEM43 (transmembrane protein 43; plus strand). Cytogenetic location: 3p25.1.
Variant type: Microsatellite.
Coding change: c.788_789del on transcript NM_024334.3 (MANE Select); coding-DNA positions 788 to 789, 2 bases deleted (TG; older notation c.788_789delTG).
Protein change: p.Val263fs; shifts the reading frame from valine 263.
Molecular consequence: frameshift variant.
Genome position (GRCh38, 1-based): chr3:14,135,814-14,135,815, TG deleted; deleting any 2 consecutive bases within chr3:14,135,812-14,135,815 gives the same sequence; the c. name uses the placement nearest the transcript's 3' end. VCF-style (leftmost placement, unchanged base first): chr3-14135811-CTG-C. GRCh37 (hg19) VCF-style: chr3-14177311-CTG-C.
Other names: short protein forms V263fs.
Identifiers: ClinVar variation 923500 (VCV000923500.8), dbSNP rs1489814713, ClinGen allele CA899782275.

ClinVar aggregate classification (germline): Uncertain significance. Review status: criteria provided, multiple submitters, no conflicts (2 of 4 stars). 3 submissions from 3 submitters: Uncertain significance (3). Last evaluated 2023-08-04.

Conditions:
Cardiomyopathy (CMYO). Also called: Cardiomyopathies. Identifiers: Orphanet 167848, MedGen C0878544, MONDO:0004994, HP:0001638. Inheritance: Various modes of inheritance.
Arrhythmogenic right ventricular dysplasia 5. Also called: Arrhythmogenic Right Ventricular Dysplasia/Cardiomyopathy 5; ARRHYTHMOGENIC RIGHT VENTRICULAR DYSPLASIA, FAMILIAL, 5. Identifiers: MedGen C1858379, MONDO:0011459, OMIM 604400.

Submissions (3):

Labcorp Genetics (formerly Invitae), Labcorp
Classification: Uncertain significance for Arrhythmogenic right ventricular dysplasia 5. Last evaluated: 2023-08-04. Review status: criteria provided, single submitter. Criteria: Invitae Variant Classification Sherloc (09022015). Collection method: clinical testing. Allele origin: germline.
Comment: This sequence change creates a premature translational stop signal (p.Val263Aspfs*7) in the TMEM43 gene. It is expected to result in an absent or disrupted protein product. However, the current clinical and genetic evidence is not sufficient to establish whether loss-of-function variants in TMEM43 cause disease. This variant is not present in population databases (gnomAD no frequency). This variant has not been reported in the literature in individuals affected with TMEM43-related conditions. ClinVar contains an entry for this variant (Variation ID: 923500). In summary, the available evidence is currently insufficient to determine the role of this variant in disease. Therefore, it has been classified as a Variant of Uncertain Significance.

All of Us Research Program, National Institutes of Health
Classification: Uncertain significance for Arrhythmogenic right ventricular dysplasia 5. Last evaluated: 2023-02-10. Review status: criteria provided, single submitter. Criteria: ACMG Guidelines, 2015. Collection method: clinical testing. Allele origin: germline. Inheritance: Autosomal dominant inheritance. Observed: 1 variant allele, 1 heterozygote.
Comment: This variant deletes 2 nucleotides in exon 10 of the TMEM43 gene, creating a frameshift and premature translation stop signal. This variant is expected to result in an absent or non-functional protein product. To our knowledge, functional assays have not been performed for this variant nor has this variant been reported in individuals affected with cardiovascular disorders in the literature. This variant has not been identified in the general population by the Genome Aggregation Database (gnomAD). The role of TMEM43 truncation variants in cardiomyopathy is not clearly established. The available evidence is insufficient to determine the role of this variant in disease conclusively. Therefore, this variant is classified as a Variant of Uncertain Significance.

This study involves interpretation of variants in research participants for the purpose of population health screening. Participant phenotype was not available at the time of variant classification. Additional details can be found in publication PMID: 35346344, PMCID: PMC8962531

Color Diagnostics, LLC DBA Color Health
Classification: Uncertain significance for Cardiomyopathy. Last evaluated: 2019-10-16. Review status: criteria provided, single submitter. Criteria: ACMG Guidelines, 2015. Collection method: clinical testing. Allele origin: germline.
Comment: This variant deletes 2 nucleotides in exon 10 of the TMEM43 gene, creating a frameshift and premature translation stop signal. This variant is expected to result in an absent or non-functional protein product. To our knowledge, functional assays have not been performed for this variant nor has this variant been reported in individuals affected with cardiovascular disorders in the literature. This variant has not been identified in the general population by the Genome Aggregation Database (gnomAD). The role of TMEM43 truncation variants in cardiomyopathy is not clearly established. The available evidence is insufficient to determine the role of this variant in disease conclusively. Therefore, this variant is classified as a Variant of Uncertain Significance.